The following is an entry in ClinVar:

ClinVar aggregate classification (germline): Conflicting classifications of pathogenicity. Review status: criteria provided, conflicting classifications (1 of 4 stars). 2 submissions from 2 submitters: Uncertain significance (1); Likely benign (1). Last evaluated 2025-07-09.

Allele frequency attached by ClinVar (database versions not stated): gnomAD exomes 0.00001.
gnomAD v4.1: 10 of 1,614,180 alleles (0.00062%); highest among the groups gnomAD compares: African/African-American, 0.0027%; no homozygotes.

Submissions (2):

Labcorp Genetics (formerly Invitae), Labcorp
Classification: Uncertain significance. Last evaluated: 2025-07-09. Review status: criteria provided, single submitter. Criteria: Invitae Variant Classification Sherloc (09022015). Collection method: clinical testing. Allele origin: germline.
Comment: This sequence change replaces valine, which is neutral and non-polar, with methionine, which is neutral and non-polar, at codon 606 of the HIVEP2 protein (p.Val606Met). This variant is not present in population databases (gnomAD no frequency). This variant has not been reported in the literature in individuals affected with HIVEP2-related conditions. ClinVar contains an entry for this variant (Variation ID: 1309512). Invitae Evidence Modeling of protein sequence and biophysical properties (such as structural, functional, and spatial information, amino acid conservation, physicochemical variation, residue mobility, and thermodynamic stability) indicates that this missense variant is not expected to disrupt HIVEP2 protein function with a negative predictive value of 80%. In summary, the available evidence is currently insufficient to determine the role of this variant in disease. Therefore, it has been classified as a Variant of Uncertain Significance.

GeneDx
Classification: Likely benign. Last evaluated: 2022-03-03. Review status: criteria provided, single submitter. Criteria: GeneDx Variant Classification Process June 2021. Collection method: clinical testing. Allele origin: germline. Affected: yes.
Comment: In silico analysis, which includes protein predictors and evolutionary conservation, supports that this variant does not alter protein structure/function; Has not been previously published as pathogenic or benign to our knowledge

NM_006734.4(HIVEP2):c.1816G>A (p.Val606Met)

Gene: HIVEP2 (HIVEP zinc finger 2; minus strand). Cytogenetic location: 6q24.2.
Variant type: single nucleotide variant.
Coding change: c.1816G>A on transcript NM_006734.4 (MANE Select); coding-DNA position 1816, G replaced by A.
Protein change: p.Val606Met; replaces valine 606 with methionine.
Molecular consequence: missense variant.
Genome position (GRCh38, 1-based): chr6:142,772,923, C>T on the plus strand (G>A on the coding strand, the complement: HIVEP2 is on the minus strand). VCF-style: chr6-142772923-C-T. GRCh37 (hg19) VCF-style: chr6-143094060-C-T.
Other names: short protein forms V606M.
Identifiers: ClinVar variation 1309512 (VCV001309512.7), dbSNP rs1775590631, ClinGen allele CA365912118.